The following is an entry in ClinVar:

NM_001127222.2(CACNA1A):c.3621C>T (p.Asp1207=)

Gene: CACNA1A (calcium voltage-gated channel subunit alpha1 A; minus strand). Cytogenetic location: 19p13.13.
Variant type: single nucleotide variant.
Coding change: c.3621C>T on transcript NM_001127222.2 (MANE Select); coding-DNA position 3621, C replaced by T.
Protein change: p.Asp1207=; no amino-acid change (aspartic acid 1207 retained).
Molecular consequence: synonymous variant.
Genome position (GRCh38, 1-based): chr19:13,285,139, G>A on the plus strand (C>T on the coding strand, the complement: CACNA1A is on the minus strand). VCF-style: chr19-13285139-G-A. GRCh37 (hg19) VCF-style: chr19-13395953-G-A.
Other names: c.3633C>T, p.Asp1211= (NM_000068.4, NM_023035.3); c.3624C>T, p.Asp1208= (NM_001127221.2, NM_001174080.2).
Identifiers: ClinVar variation 995015 (VCV000995015.35), dbSNP rs368211900, ClinGen allele CA9240255.

ClinVar aggregate classification (germline): Likely benign. Review status: criteria provided, multiple submitters, no conflicts (2 of 4 stars). 4 submissions from 4 submitters: Likely benign (4). Last evaluated 2026-01-19.

Conditions:
Episodic ataxia type 2 (EA2). Also called: ACETAZOLAMIDE-RESPONSIVE HEREDITARY PAROXYSMAL CEREBELLAR ATAXIA; CEREBELLAR ATAXIA, PAROXYSMAL, ACETAZOLAMIDE-RESPONSIVE; CEREBELLOPATHY, HEREDITARY PAROXYSMAL; EPISODIC ATAXIA, NYSTAGMUS-ASSOCIATED; ATAXIA, EPISODIC, WITH NYSTAGMUS; ATAXIA, FAMILIAL PAROXYSMAL. Identifiers: Orphanet 97, MedGen C1720416, MONDO:0007163, OMIM 108500.
Developmental and epileptic encephalopathy, 42 (DEE42A). Also called: Epileptic encephalopathy, early infantile, 42; DEVELOPMENTAL AND EPILEPTIC ENCEPHALOPATHY 42A; EPILEPTIC ENCEPHALOPATHY, EARLY INFANTILE, 42A. Identifiers: MedGen C4310716, MONDO:0014917, OMIM 617106.

Allele frequency attached by ClinVar (database versions not stated): ExAC 0.00002; gnomAD exomes 0.00002 and 0.00003; gnomAD 0.00003 and 0.00004; TOPMed 0.00004; ESP Exome Variant Server 0.00008.
gnomAD v4.1: 37 of 1,613,776 alleles (0.0023%); highest among the groups gnomAD compares: Admixed American, 0.0033%; no homozygotes.

Submissions (4):

Labcorp Genetics (formerly Invitae), Labcorp
Classification: Likely benign for Developmental and epileptic encephalopathy, 42; Episodic ataxia type 2. Last evaluated: 2026-01-19. Review status: criteria provided, single submitter. Criteria: Invitae Variant Classification Sherloc (09022015). Collection method: clinical testing. Allele origin: germline.

Athena Diagnostics
Classification: Likely benign. Last evaluated: 2025-05-13. Review status: criteria provided, single submitter. Criteria: Athena Diagnostics Criteria. Collection method: clinical testing. Allele origin: unknown.
Comment: Computational tools yielded predictions that this variant is unlikely to have an effect on normal RNA splicing. This nucleotide position exhibits low evolutionary conservation. This variant has been seen where an alternate explanation for disease was also identified.

Blueprint Genetics
Classification: Likely benign. Last evaluated: 2024-09-13. Review status: criteria provided, single submitter. Criteria: ACMG Guidelines, 2015. Collection method: clinical testing. Allele origin: germline.

CeGaT Center for Human Genetics Tuebingen
Classification: Likely benign. Last evaluated: 2022-07-01. Review status: criteria provided, single submitter. Criteria: CeGaT Center For Human Genetics Tuebingen Variant Classification Criteria Version 2. Collection method: clinical testing. Allele origin: germline. Affected: yes. Observed: 2 variant alleles.
Comment: CACNA1A: BP4, BP7